The following is an entry in ClinVar:

NM_014975.3(MAST1):c.2641G>A (p.Asp881Asn)

Gene: MAST1 (microtubule associated serine/threonine kinase 1; plus strand). Cytogenetic location: 19p13.13.
Variant type: single nucleotide variant.
Coding change: c.2641G>A on transcript NM_014975.3 (MANE Select); coding-DNA position 2641, G replaced by A.
Protein change: p.Asp881Asn; replaces aspartic acid 881 with asparagine.
Molecular consequence: missense variant.
Genome position (GRCh38, 1-based): chr19:12,868,717, G>A. VCF-style: chr19-12868717-G-A. GRCh37 (hg19) VCF-style: chr19-12979531-G-A.
Other names: short protein forms D881N.
Identifiers: ClinVar variation 3027250 (VCV003027250.22), dbSNP rs2145910791, ClinGen allele CA404281256.

ClinVar aggregate classification (germline): Uncertain significance (1 of 4 stars; one submission).

Submission:

CeGaT Center for Human Genetics Tuebingen
Classification: Uncertain significance. Last evaluated: 2024-02-01. Review status: criteria provided, single submitter. Criteria: CeGaT Center For Human Genetics Tuebingen Variant Classification Criteria Version 2. Collection method: clinical testing. Allele origin: germline. Affected: yes. Observed: 1 variant allele.
Comment: MAST1: PM2